The following is an entry in ClinVar:

ClinVar aggregate classification (germline): Likely benign. Review status: criteria provided, multiple submitters, no conflicts (2 of 4 stars). 2 submissions from 2 submitters: Likely benign (2). Last evaluated 2018-06-16.

Allele frequency attached by ClinVar (database versions not stated): TOPMed 0.01568; 1000 Genomes Project 0.01577; gnomAD 0.01680; 1000 Genomes Project 30x 0.01483; gnomAD exomes 0.01363.
gnomAD v4.1: 17,223 of 1,244,382 alleles (1.4%); highest among the groups gnomAD compares: East Asian, 4.6%; 217 homozygotes.

Submissions (2):

GeneDx
Classification: Likely benign. Last evaluated: 2018-06-16. Review status: criteria provided, single submitter. Criteria: GeneDx Variant Classification (06012015). Collection method: clinical testing. Allele origin: germline. Affected: yes.
Comment: This variant is considered likely benign or benign based on one or more of the following criteria: it is a conservative change, it occurs at a poorly conserved position in the protein, it is predicted to be benign by multiple in silico algorithms, and/or has population frequency not consistent with disease.

Breakthrough Genomics
Classification: Likely benign. Review status: criteria provided, single submitter. Criteria: ACMG Guidelines, 2015. Collection method: not provided. Allele origin: germline. Inheritance: Autosomal recessive inheritance. Affected: yes.

NM_016729.3(FOLR1):c.169-94T>G

Genes: FOLR1 (folate receptor alpha; plus strand), FOLR1-AS1 (FOLR1 antisense RNA 1; minus strand). Cytogenetic location: 11q13.4.
Variant type: single nucleotide variant.
Coding change: c.169-94T>G on transcript NM_016729.3 (MANE Select); 94 bases into the intron before coding-DNA position 169, T replaced by G.
Molecular consequence: intron variant.
Genome position (GRCh38, 1-based): chr11:72,195,177, T>G. VCF-style: chr11-72195177-T-G. GRCh37 (hg19) VCF-style: chr11-71906221-T-G.
Other names: c.169-94T>G (NM_016724.3, NM_016725.3, NM_000802.3).
Identifiers: ClinVar variation 670907 (VCV000670907.2), dbSNP rs74702497, ClinGen allele CA224404347.